The following is an entry in ClinVar:

ClinVar aggregate classification (germline): Uncertain significance (1 of 4 stars; one submission).

Allele frequency attached by ClinVar (database versions not stated): ExAC 0.00001; gnomAD 0.00001; TOPMed 0.00001; ESP Exome Variant Server 0.00008.
gnomAD v4.1: 21 of 1,352,062 alleles (0.0016%); highest among the groups gnomAD compares: Non-Finnish European, 0.0022%; no homozygotes.

Submission:

Labcorp Genetics (formerly Invitae), Labcorp
Classification: Uncertain significance. Last evaluated: 2023-03-17. Review status: criteria provided, single submitter. Criteria: Invitae Variant Classification Sherloc (09022015). Collection method: clinical testing. Allele origin: germline.
Comment: This variant is present in population databases (rs375398110, gnomAD 0.002%). This sequence change falls in intron 33 of the HMCN1 gene. It does not directly change the encoded amino acid sequence of the HMCN1 protein. This variant has not been reported in the literature in individuals affected with HMCN1-related conditions. In summary, the available evidence is currently insufficient to determine the role of this variant in disease. Therefore, it has been classified as a Variant of Uncertain Significance. Algorithms developed to predict the effect of sequence changes on RNA splicing suggest that this variant may disrupt the consensus splice site. ClinVar contains an entry for this variant (Variation ID: 1909114).

NM_031935.3(HMCN1):c.5300+17G>A

Gene: HMCN1 (hemicentin 1; plus strand). Cytogenetic location: 1q31.1.
Variant type: single nucleotide variant.
Coding change: c.5300+17G>A on transcript NM_031935.3 (MANE Select); 17 bases into the intron after coding-DNA position 5300, G replaced by A.
Molecular consequence: intron variant.
Genome position (GRCh38, 1-based): chr1:186,017,088, G>A. VCF-style: chr1-186017088-G-A. GRCh37 (hg19) VCF-style: chr1-185986220-G-A.
Identifiers: ClinVar variation 1909114 (VCV001909114.5), dbSNP rs375398110, ClinGen allele CA1292223.